The following is an entry in ClinVar:

ClinVar aggregate classification (germline): Uncertain significance (1 of 4 stars; one submission).

gnomAD v4.1: 1 of 1,612,016 alleles (0.000062%); highest among the groups gnomAD compares: Non-Finnish European, 0.000085%; no homozygotes.

Submission:

GeneDx
Classification: Uncertain significance. Last evaluated: 2021-06-24. Review status: criteria provided, single submitter. Criteria: GeneDx Variant Classification Process June 2021. Collection method: clinical testing. Allele origin: germline. Affected: yes.
Comment: Not observed at significant frequency in large population cohorts (Lek et al., 2016); In silico analysis supports that this missense variant does not alter protein structure/function; Has not been previously published as pathogenic or benign to our knowledge; This variant is associated with the following publications: (PMID: 27535533)

NM_015340.4(LARS2):c.1058A>C (p.Gln353Pro)

Genes: LARS2 (leucyl-tRNA synthetase 2, mitochondrial; plus strand), LARS2-AS1 (LARS2 antisense RNA 1; minus strand). Cytogenetic location: 3p21.31.
Variant type: single nucleotide variant.
Coding change: c.1058A>C on transcript NM_015340.4 (MANE Select); coding-DNA position 1058, A replaced by C.
Protein change: p.Gln353Pro; replaces glutamine 353 with proline.
Molecular consequence: missense variant.
Genome position (GRCh38, 1-based): chr3:45,485,731, A>C. VCF-style: chr3-45485731-A-C. GRCh37 (hg19) VCF-style: chr3-45527223-A-C.
Other names: c.1058A>C, p.Gln353Pro (NM_001368263.1); short protein forms Q353P.
Identifiers: ClinVar variation 1329709 (VCV001329709.2), dbSNP rs2125727383, ClinGen allele CA352424359.